The following is an entry in ClinVar:

ClinVar aggregate classification (germline): Uncertain significance (1 of 4 stars; one submission).

Submission:

Labcorp Genetics (formerly Invitae), Labcorp
Classification: Uncertain significance. Last evaluated: 2021-06-19. Review status: criteria provided, single submitter. Criteria: Invitae Variant Classification Sherloc (09022015). Collection method: clinical testing. Allele origin: germline.
Comment: This sequence change replaces alanine with threonine at codon 250 of the GNPAT protein (p.Ala250Thr). The alanine residue is moderately conserved and there is a small physicochemical difference between alanine and threonine. This variant is not present in population databases (ExAC no frequency). This variant has not been reported in the literature in individuals with GNPAT-related conditions. Algorithms developed to predict the effect of missense changes on protein structure and function (SIFT, PolyPhen-2, Align-GVGD) all suggest that this variant is likely to be tolerated, but these predictions have not been confirmed by published functional studies and their clinical significance is uncertain. In summary, the available evidence is currently insufficient to determine the role of this variant in disease. Therefore, it has been classified as a Variant of Uncertain Significance.

NM_014236.4(GNPAT):c.748G>A (p.Ala250Thr)

Gene: GNPAT (glyceronephosphate O-acyltransferase; plus strand). Cytogenetic location: 1q42.2.
Variant type: single nucleotide variant.
Coding change: c.748G>A on transcript NM_014236.4 (MANE Select); coding-DNA position 748, G replaced by A.
Protein change: p.Ala250Thr; replaces alanine 250 with threonine.
Molecular consequence: missense variant.
Genome position (GRCh38, 1-based): chr1:231,265,763, G>A. VCF-style: chr1-231265763-G-A. GRCh37 (hg19) VCF-style: chr1-231401509-G-A.
Other names: c.565G>A, p.Ala189Thr (NM_001316350.2); short protein forms A189T, A250T.
Identifiers: ClinVar variation 1362588 (VCV001362588.8), dbSNP rs2102818151, ClinGen allele CA345233727.